The following is an entry in ClinVar:

NM_000092.5(COL4A4):c.4473_4474dup (p.Ser1492fs)

Gene: COL4A4 (collagen type IV alpha 4 chain; minus strand). Cytogenetic location: 2q36.3.
Variant type: Microsatellite.
Coding change: c.4473_4474dup on transcript NM_000092.5 (MANE Select); coding-DNA positions 4473 to 4474, 2 bases duplicated (TA; older notation c.4473_4474dupTA).
Protein change: p.Ser1492fs; shifts the reading frame from serine 1492.
Molecular consequence: frameshift variant.
Genome position (GRCh38, 1-based): chr2:227,010,361-227,010,362, TA duplicated on the plus strand (TA on the coding strand, the reverse complement: COL4A4 is on the minus strand); duplicating any 2 consecutive bases within chr2:227,010,361-227,010,364 gives the same sequence; the c. name uses the placement nearest the transcript's 3' end. VCF-style (leftmost placement, unchanged base first): chr2-227010360-C-CTA. GRCh37 (hg19) VCF-style: chr2-227875076-C-CTA.
Other names: short protein forms S1492fs.
Identifiers: ClinVar variation 1374552 (VCV001374552.6), dbSNP rs2149743813, ClinGen allele CA2580616716.

ClinVar aggregate classification (germline): Pathogenic (1 of 4 stars; one submission).

Submission:

Labcorp Genetics (formerly Invitae), Labcorp
Classification: Pathogenic. Last evaluated: 2025-06-12. Review status: criteria provided, single submitter. Criteria: Invitae Variant Classification Sherloc (09022015). Collection method: clinical testing. Allele origin: germline.
Comment: This sequence change creates a premature translational stop signal (p.Ser1492Ilefs*61) in the COL4A4 gene. It is expected to result in an absent or disrupted protein product. Loss-of-function variants in COL4A4 are known to be pathogenic (PMID: 21196518, 24854265, 25307543). This variant is not present in population databases (gnomAD no frequency). This variant has not been reported in the literature in individuals affected with COL4A4-related conditions. For these reasons, this variant has been classified as Pathogenic.

Literature cited by the submitters: PubMed 21196518; PubMed 24854265; PubMed 25307543.